The following is an entry in ClinVar:

ClinVar aggregate classification (germline): Uncertain significance (1 of 4 stars; one submission).

Conditions:
Generalized epilepsy-paroxysmal dyskinesia syndrome (PNKD3). Also called: Generalized epilepsy and paroxysmal dyskinesia; Paroxysmal nonkinesigenic dyskinesia, 3, with or without generalized epilepsy. Identifiers: Orphanet 79137, MedGen C5574945, MONDO:0012276, OMIM 609446.

Submission:

Labcorp Genetics (formerly Invitae), Labcorp
Classification: Uncertain significance for Generalized epilepsy-paroxysmal dyskinesia syndrome. Last evaluated: 2022-11-14. Review status: criteria provided, single submitter. Criteria: Invitae Variant Classification Sherloc (09022015). Collection method: clinical testing. Allele origin: germline.
Comment: This sequence change replaces glutamic acid, which is acidic and polar, with lysine, which is basic and polar, at codon 439 of the KCNMA1 protein (p.Glu439Lys). This variant is not present in population databases (gnomAD no frequency). This variant has not been reported in the literature in individuals affected with KCNMA1-related conditions. Advanced modeling of protein sequence and biophysical properties (such as structural, functional, and spatial information, amino acid conservation, physicochemical variation, residue mobility, and thermodynamic stability) performed at Invitae indicates that this missense variant is not expected to disrupt KCNMA1 protein function. In summary, the available evidence is currently insufficient to determine the role of this variant in disease. Therefore, it has been classified as a Variant of Uncertain Significance.

NM_001161352.2(KCNMA1):c.1315G>A (p.Glu439Lys)

Gene: KCNMA1 (potassium calcium-activated channel subfamily M alpha 1; minus strand). Cytogenetic location: 10q22.3.
Variant type: single nucleotide variant.
Coding change: c.1315G>A on transcript NM_001161352.2 (MANE Select); coding-DNA position 1315, G replaced by A.
Protein change: p.Glu439Lys; replaces glutamic acid 439 with lysine.
Molecular consequence: missense variant.
Genome position (GRCh38, 1-based): chr10:77,090,419, C>T on the plus strand (G>A on the coding strand, the complement: KCNMA1 is on the minus strand). VCF-style: chr10-77090419-C-T. GRCh37 (hg19) VCF-style: chr10-78850177-C-T.
Other names: c.1315G>A, p.Glu439Lys (NM_001014797.3, NM_001161353.2, NM_001271519.2 and 8 more transcripts); c.1153G>A, p.Glu385Lys (NM_001271518.2); c.775G>A, p.Glu259Lys (NM_001322838.2); short protein forms E259K, E439K, E385K.
Identifiers: ClinVar variation 2015076 (VCV002015076.4), dbSNP rs2550912767, ClinGen allele CA377407871.